The following is an entry in ClinVar:

NM_001289104.2(PRKCSH):c.936_938del (p.Glu325del)

Gene: PRKCSH (PRKCSH beta subunit of glucosidase II; plus strand). Cytogenetic location: 19p13.2.
Variant type: Deletion.
Coding change: c.936_938del on transcript NM_001289104.2 (MANE Select); coding-DNA positions 936 to 938, 3 bases deleted (AGA; older notation c.936_938delAGA).
Protein change: p.Glu325del; deletes glutamic acid 325.
Molecular consequence: inframe deletion.
Genome position (GRCh38, 1-based): chr19:11,447,525-11,447,527, AGA deleted. VCF-style (leftmost placement, unchanged base first): chr19-11447524-CAGA-C. GRCh37 (hg19) VCF-style: chr19-11558339-CAGA-C.
Other names: c.936_938del, p.Glu325del (NM_001001329.3, NM_001289102.2, NM_001289103.2 and 3 more transcripts); short protein forms E325del.
Identifiers: ClinVar variation 2722881 (VCV002722881.3), dbSNP rs764349204, ClinGen allele CA9213075.

ClinVar aggregate classification (germline): Uncertain significance (1 of 4 stars; one submission).

Allele frequency attached by ClinVar (database versions not stated): gnomAD 0.00006; gnomAD exomes 0.00005; ExAC 0.00014.

Submission:

Labcorp Genetics (formerly Invitae), Labcorp
Classification: Uncertain significance. Last evaluated: 2025-09-28. Review status: criteria provided, single submitter. Criteria: Invitae Variant Classification Sherloc (09022015). Collection method: clinical testing. Allele origin: germline.
Comment: This variant is a gross deletion of the genomic region encompassing exon(s) 1-1-,-1-1 of the PRKCSH gene. This variant would be expected to be in-frame, preserving the integrity of the reading frame. The frequency data for this variant in the population databases is considered unreliable, as metrics indicate poor data quality at this position in the gnomAD database. This variant has not been reported in the literature in individuals affected with PRKCSH-related conditions. ClinVar contains an entry for this variant (Variation ID: 2722881). Experimental studies and prediction algorithms are not available or were not evaluated, and the functional significance of this variant is currently unknown. In summary, the available evidence is currently insufficient to determine the role of this variant in disease. Therefore, it has been classified as a Variant of Uncertain Significance.